The following is an entry in ClinVar:

ClinVar aggregate classification (germline): Uncertain significance (1 of 4 stars; one submission).

Conditions:
Autosomal dominant childhood-onset proximal spinal muscular atrophy with contractures (SMALED2A). Also called: SPINAL MUSCULAR ATROPHY, LOWER EXTREMITY-PREDOMINANT, 2A, CHILDHOOD ONSET, AUTOSOMAL DOMINANT; Spinal muscular atrophy, lower extremity-predominant, 2A, autosomal dominant. Identifiers: Orphanet 363447, Orphanet 363454, MedGen C4747715, MONDO:0014121, OMIM 615290.

Submission:

Labcorp Genetics (formerly Invitae), Labcorp
Classification: Uncertain significance for Autosomal dominant childhood-onset proximal spinal muscular atrophy with contractures. Last evaluated: 2022-04-04. Review status: criteria provided, single submitter. Criteria: Invitae Variant Classification Sherloc (09022015). Collection method: clinical testing. Allele origin: germline.
Comment: This sequence change replaces valine, which is neutral and non-polar, with alanine, which is neutral and non-polar, at codon 552 of the BICD2 protein (p.Val552Ala). This variant is not present in population databases (gnomAD no frequency). This variant has not been reported in the literature in individuals affected with BICD2-related conditions. Algorithms developed to predict the effect of missense changes on protein structure and function (SIFT, PolyPhen-2, Align-GVGD) all suggest that this variant is likely to be disruptive. In summary, the available evidence is currently insufficient to determine the role of this variant in disease. Therefore, it has been classified as a Variant of Uncertain Significance.

NM_001003800.2(BICD2):c.1655T>C (p.Val552Ala)

Gene: BICD2 (BICD cargo adaptor 2; minus strand). Cytogenetic location: 9q22.31.
Variant type: single nucleotide variant.
Coding change: c.1655T>C on transcript NM_001003800.2 (MANE Select); coding-DNA position 1655, T replaced by C.
Protein change: p.Val552Ala; replaces valine 552 with alanine.
Molecular consequence: missense variant.
Genome position (GRCh38, 1-based): chr9:92,718,990, A>G on the plus strand (T>C on the coding strand, the complement: BICD2 is on the minus strand). VCF-style: chr9-92718990-A-G. GRCh37 (hg19) VCF-style: chr9-95481272-A-G.
Other names: c.1655T>C, p.Val552Ala (NM_015250.4); short protein forms V552A.
Identifiers: ClinVar variation 2111910 (VCV002111910.4), dbSNP rs2490444817, ClinGen allele CA374036499.